The following is an entry in ClinVar:

NM_014639.4(SKIC3):c.2849_2850del (p.Glu950fs)

Gene: SKIC3 (SKI3 subunit of superkiller complex; minus strand). Cytogenetic location: 5q15.
Variant type: Microsatellite.
Coding change: c.2849_2850del on transcript NM_014639.4 (MANE Select); coding-DNA positions 2849 to 2850, 2 bases deleted (AG; older notation c.2849_2850delAG).
Protein change: p.Glu950fs; shifts the reading frame from glutamic acid 950.
Molecular consequence: frameshift variant.
Genome position (GRCh38, 1-based): chr5:95,512,547-95,512,548, CT deleted on the plus strand (AG on the coding strand, the reverse complement: SKIC3 is on the minus strand); deleting any 2 consecutive bases within chr5:95,512,547-95,512,550 gives the same sequence; the c. name uses the placement nearest the transcript's 3' end. VCF-style (leftmost placement, unchanged base first): chr5-95512546-GCT-G. GRCh37 (hg19) VCF-style: chr5-94848250-GCT-G.
Other names: short protein forms E950fs.
Identifiers: ClinVar variation 1686282 (VCV001686282.3), dbSNP rs2112308448, ClinGen allele CA2578429294.
Genomic context (GRCh38, chr5:95,512,546, plus strand): 5'-TATTCAAAATAACTTGTGCTGCTGGAATAGCATTCATCTGGAGGATGTTGTACTGGTACA[GCT>G]CTGTTTCTCTGTTGCTTTTATCTTGCAATGTTGTGCAGACCCAATACGCATAACCTAATG-3'

ClinVar aggregate classification (germline): Pathogenic. Review status: criteria provided, multiple submitters, no conflicts (2 of 4 stars). 2 submissions from 2 submitters: Pathogenic (2). Last evaluated 2025-06-04.

Conditions:
Trichohepatoenteric syndrome 1 (THES1). Also called: DIARRHEA, FATAL INFANTILE, WITH TRICHORRHEXIS NODOSA. Identifiers: Orphanet 84064, MedGen C4551982, MONDO:0024541, OMIM 222470.

Submissions (2):

Labcorp Genetics (formerly Invitae), Labcorp
Classification: Pathogenic. Last evaluated: 2025-06-04. Review status: criteria provided, single submitter. Criteria: Invitae Variant Classification Sherloc (09022015). Collection method: clinical testing. Allele origin: germline.
Comment: This sequence change creates a premature translational stop signal (p.Glu950Alafs*21) in the TTC37 gene. It is expected to result in an absent or disrupted protein product. Loss-of-function variants in TTC37 are known to be pathogenic (PMID: 20176027, 21120949). This variant is not present in population databases (gnomAD no frequency). This variant has not been reported in the literature in individuals affected with TTC37-related conditions. Algorithms developed to predict the effect of sequence changes on RNA splicing suggest that this variant may disrupt the consensus splice site. For these reasons, this variant has been classified as Pathogenic.

Mendelics
Classification: Pathogenic for Trichohepatoenteric syndrome 1. Last evaluated: 2022-05-04. Review status: criteria provided, single submitter. Criteria: Mendelics Assertion Criteria 2019. Collection method: clinical testing. Allele origin: germline.

Literature cited by the submitters: PubMed 20176027 (cited by Labcorp Genetics (formerly Invitae), Labcorp); PubMed 21120949 (cited by Labcorp Genetics (formerly Invitae), Labcorp).